The following is an entry in ClinVar:

NM_000400.4(ERCC2):c.1282_1297del (p.Ile428fs)

Gene: ERCC2 (ERCC excision repair 2, TFIIH core complex helicase subunit; minus strand). Cytogenetic location: 19q13.32.
Variant type: Deletion.
Coding change: c.1282_1297del on transcript NM_000400.4 (MANE Select); coding-DNA positions 1282 to 1297, 16 bases deleted (ATTGCCAACCCCATCC).
Protein change: p.Ile428fs; shifts the reading frame from isoleucine 428.
Molecular consequence: frameshift variant. On other transcripts: non-coding transcript variant (3).
Genome position (GRCh38, 1-based): chr19:45,357,640-45,357,655, GGATGGGGTTGGCAAT deleted on the plus strand (ATTGCCAACCCCATCC on the coding strand, the reverse complement: ERCC2 is on the minus strand); deleting any 16 consecutive bases within chr19:45,357,640-45,357,657 gives the same sequence; the c. name uses the placement nearest the transcript's 3' end. VCF-style (leftmost placement, unchanged base first): chr19-45357639-AGGATGGGGTTGGCAAT-A. GRCh37 (hg19) VCF-style: chr19-45860897-AGGATGGGGTTGGCAAT-A.
Other names: c.1210_1225del, p.Ile404fs (NM_001440355.1); c.1204_1219del, p.Ile402fs (NM_001440356.1); c.1159_1174del, p.Ile387fs (NM_001440357.1); short protein forms I387fs, I402fs, I404fs, I428fs.
Identifiers: ClinVar variation 5014873 (VCV005014873.1).

ClinVar aggregate classification (germline): Pathogenic (1 of 4 stars; one submission).

Conditions:
ERCC2-related disorder. Also called: ERCC2-related conditions; ERCC2-related condition; ERCC2-related disorders. Identifiers: MedGen CN239291.

Submission:

Myriad Genetics, Inc.
Classification: Pathogenic for ERCC2-related disorder. Last evaluated: 2025-08-16. Review status: criteria provided, single submitter. Criteria: Myriad Autosomal Dominant, Autosomal Recessive and X-Linked Classification Criteria (2023). Collection method: clinical testing. Allele origin: unknown.
Comment: NM_000400.3(ERCC2):c.1282_1297del16(I428Cfs*51) is expected to be pathogenic in the context of ERCC2-related disorders. This variant is predicted to lead to an abnormal or absent protein product due to the creation of a premature termination codon in ERCC2, a gene where loss-of-function variants are known to be pathogenic. Please note: this variant was assessed in the context of healthy population screening.